The following is an entry in ClinVar:

NM_001267550.2(TTN):c.19356C>A (p.Ser6452Arg)

Gene: TTN (titin; minus strand). Cytogenetic location: 2q31.2.
Variant type: single nucleotide variant.
Coding change: c.19356C>A on transcript NM_001267550.2 (MANE Select); coding-DNA position 19356, C replaced by A.
Protein change: p.Ser6452Arg; replaces serine 6452 with arginine.
Molecular consequence: missense variant. On other transcripts: intron variant (3).
Genome position (GRCh38, 1-based): chr2:178,728,570, G>T on the plus strand (C>A on the coding strand, the complement: TTN is on the minus strand). VCF-style: chr2-178728570-G-T. GRCh37 (hg19) VCF-style: chr2-179593297-G-T.
Other names: p.S6135R:AGC>AGA; c.18405C>A, p.Ser6135Arg (NM_001256850.1); c.15624C>A, p.Ser5208Arg (NM_133378.4); c.13282+9512C>A (NM_003319.4); c.13858+9512C>A (NM_133437.4); c.13657+9512C>A (NM_133432.3); short protein forms S6135R, S6452R, S5208R.
Identifiers: ClinVar variation 203277 (VCV000203277.2), dbSNP rs369275615, ClinGen allele CA311895.

ClinVar aggregate classification (germline): Uncertain significance (1 of 4 stars; one submission).

gnomAD v4.1: 1 of 1,612,990 alleles (0.000062%); highest among the groups gnomAD compares: South Asian, 0.0011%; no homozygotes.

Submission:

GeneDx
Classification: Uncertain significance. Last evaluated: 2014-02-20. Review status: criteria provided, single submitter. Criteria: GeneDx Variant Classification (06012015). Collection method: clinical testing. Allele origin: germline. Affected: yes.
Comment: Missense variants in the TTN gene are considered 'unclassified' if they are not previously reported in the literature and do not have >1% frequency in the population to be considered a polymorphism. Research indicates that truncating mutations in the TTN gene are expected to account for approximately 25% of familial and 18% of sporadic idiopathic DCM; however, truncating variants in the TTN gene have been reported in approximately 3% of reported control alleles. There has been little investigation into non-truncating variants. (Herman D et al. Truncations of titin causing dilated cardiomyopathy. N Eng J Med 366:619-628, 2012) The variant is found in CARDIOMYOPATHY panel(s).